The following is an entry in ClinVar:

ClinVar aggregate classification (germline): Conflicting classifications of pathogenicity. Review status: criteria provided, conflicting classifications (1 of 4 stars). 3 submissions from 1 submitter: Uncertain significance (1); Benign (2). Last evaluated 2018-01-13.

Conditions:
Atrial fibrillation, familial, 9 (ATFB9). Identifiers: MedGen C3151431, MONDO:0013513, OMIM 613980.
Short QT syndrome type 3. Identifiers: Orphanet 51083, MedGen C1865018, MONDO:0012314, OMIM 609622.
Andersen Tawil syndrome (LQT7). Also called: ANDERSEN CARDIODYSRHYTHMIC PERIODIC PARALYSIS; LONG QT SYNDROME 7; PERIODIC PARALYSIS, POTASSIUM-SENSITIVE CARDIODYSRHYTHMIC TYPE; Andersen Syndrome; Potassium-sensitive periodic paralysis, ventricular ectopy, and dysmorphic features. Identifiers: Orphanet 37553, MedGen C1563715, MONDO:0008222, OMIM 170390.

Allele frequency attached by ClinVar (database versions not stated): TOPMed below 0.00001; gnomAD 0.00001 and 0.00005; 1000 Genomes Project 30x 0.00062; 1000 Genomes Project 0.00080.

Submissions (3):

Illumina Laboratory Services, Illumina
Classification: Benign for Andersen Tawil syndrome. Last evaluated: 2018-01-13. Review status: criteria provided, single submitter. Criteria: ICSL Variant Classification Criteria 13 December 2019. Collection method: clinical testing. Allele origin: germline.
Comment: This variant was observed in the ICSL laboratory as part of a predisposition screen in an ostensibly healthy population. It had not been previously curated by ICSL or reported in the Human Gene Mutation Database (HGMD: prior to June 1st, 2018), and was therefore a candidate for classification through an automated scoring system. Utilizing variant allele frequency, disease prevalence and penetrance estimates, and inheritance mode, an automated score was calculated to assess if this variant is too frequent to cause the disease. Based on the score and internal cut-off values, a variant classified as benign is not then subjected to further curation. The score for this variant resulted in a classification of benign for this disease.

Illumina Laboratory Services, Illumina
Classification: Benign for Short QT syndrome type 3. Last evaluated: 2018-01-13. Review status: criteria provided, single submitter. Criteria: ICSL Variant Classification Criteria 13 December 2019. Collection method: clinical testing. Allele origin: germline.
Comment: the same text as in the submission from Illumina Laboratory Services, Illumina above.

Illumina Laboratory Services, Illumina
Classification: Uncertain significance for Atrial fibrillation, familial, 9. Last evaluated: 2018-01-13. Review status: criteria provided, single submitter. Criteria: ICSL Variant Classification Criteria 13 December 2019. Collection method: clinical testing. Allele origin: germline.

NM_000891.3(KCNJ2):c.*572G>T

Gene: KCNJ2 (potassium inwardly rectifying channel subfamily J member 2; plus strand). Cytogenetic location: 17q24.3.
Variant type: single nucleotide variant.
Coding change: c.*572G>T on transcript NM_000891.3 (MANE Select); 572 bases downstream of the stop codon, G replaced by T.
Molecular consequence: 3 prime UTR variant.
Genome position (GRCh38, 1-based): chr17:70,176,895, G>T. VCF-style: chr17-70176895-G-T. GRCh37 (hg19) VCF-style: chr17-68173036-G-T.
Identifiers: ClinVar variation 889592 (VCV000889592.4), dbSNP rs566129544, ClinGen allele CA293702994.
Genomic context (GRCh38, chr17:70,176,895, plus strand): 5'-CTATTAACTGCCAAAACAAGAGCCTGATTTTTTGAGGCCAGTAATTCGTTTGCTAGAATT[G>T]ATTTTTTTTCTCTCTCTCTTTGTTACATAAGGGCATTATGTAACACTAGCCGAATGGTAG-3'